The following is an entry in ClinVar:

ClinVar aggregate classification (germline): Uncertain significance (1 of 4 stars; one submission).

Submission:

Labcorp Genetics (formerly Invitae), Labcorp
Classification: Uncertain significance. Last evaluated: 2019-08-28. Review status: criteria provided, single submitter. Criteria: Invitae Variant Classification Sherloc (09022015). Collection method: clinical testing. Allele origin: germline.
Comment: This variant is an in-frame deletion of the genomic region encompassing exons 10-18 of the KIF11 gene. It preserves the integrity of the reading frame. This variant has not been reported in the literature in individuals with KIF11-related conditions. In summary, the available evidence is currently insufficient to determine the role of this variant in disease. Therefore, it has been classified as a Variant of Uncertain Significance.

NC_000010.11:g.(?_92621385)_(92645642_?)del

Gene: KIF11 (kinesin family member 11; plus strand). Cytogenetic location: 10q23.33.
Variant type: Deletion.
Identifiers: ClinVar variation 830567 (VCV000830567.1).